The following is an entry in ClinVar:

ClinVar aggregate classification (germline): Likely pathogenic. Review status: reviewed by expert panel (3 of 4 stars). 11 submissions from 11 submitters: Likely pathogenic (1). 10 of the submissions do not count toward it. Last evaluated 2025-01-09.

Conditions:
Autosomal recessive limb-girdle muscular dystrophy. Identifiers: Orphanet 102015, MedGen C2931907, MONDO:0015152.
SGCA-related disorder. Also called: SGCA-related condition.
Autosomal recessive limb-girdle muscular dystrophy type 2D (LGMDR3). Also called: MUSCULAR DYSTROPHY, LIMB-GIRDLE, AUTOSOMAL RECESSIVE 3; ADHALINOPATHY, PRIMARY; DUCHENNE-LIKE AUTOSOMAL RECESSIVE MUSCULAR DYSTROPHY, TYPE 2. Identifiers: Orphanet 62, MedGen C2936332, MONDO:0011968, OMIM 608099. Disease mechanism: Affects gamma-sarcoglycan and also disrupts the integrity of the entire sarcoglycan complex..

gnomAD v4.1: 11 of 1,613,898 alleles (0.00068%); highest among the groups gnomAD compares: South Asian, 0.0033%; no homozygotes.

Submissions (11):

ClinGen Limb Girdle Muscular Dystrophy Variant Curation Expert Panel, ClinGen
Classification: Likely pathogenic for Autosomal recessive limb-girdle muscular dystrophy. Last evaluated: 2025-01-09. Review status: reviewed by expert panel. Criteria: ClinGen LGMD VCEP ACMG Specifications SGCA V1.0.0. Collection method: curation. Allele origin: germline. Inheritance: Autosomal recessive inheritance.
Comment: The NM_000023.4: c.241C>T variant in SGCA is a missense variant predicted to cause substitution of arginine by cysteine at amino acid 81 (p.Arg81Cys). This variant has been detected in at least three individuals with symptoms of limb girdle muscular dystrophy, including confirmed in trans with a pathogenic or likely pathogenic variant (c.850C>T p.(Arg284Cys), 1.0 pt, PMID: 17994539) and in a homozygous state in two patients (0.75 pts, PMID: 31069529, 30345904) (PM3). At least one patient with this variant and a second presumed diagnostic SGCA variant displayed progressive limb girdle muscle weakness and significantly reduced or absent alpha-sarcoglycan protein expression, which is highly specific for SGCA-related LGMD (PP4_Strong; PMID: 17994539, 26404900; LOVD Individual #00133411). In addition, the variant has been reported to segregate with autosomal recessive limb girdle muscular dystrophy in one affected family member (PP1; PMID: 17994539). The highest population minor allele frequency in gnomAD v2.1.1 is 0.00003 (1/30576 alleles) in the South Asian population, which is lower than the ClinGen LGMD VCEP threshold (0.00009) for PM2_Supporting, meeting this criterion (PM2_Supporting). The computational predictor REVEL gives a score of 0.934, which is above the threshold of 0.7, evidence that correlates with impact to SGCA function (PP3). In summary, this variant meets the criteria to be classified as Likely Pathogenic for autosomal recessive limb girdle muscular dystrophy based on the ACMG/AMP criteria applied, as specified by the ClinGen LGMD VCEP (LGMD VCEP specifications version 1.0.0; 01/09/2025): PP4_Strong, PM3, PP1, PP3, PM2_Supporting.

GeneDx
Classification: Likely pathogenic. Last evaluated: 2026-04-06. Review status: criteria provided, single submitter. Criteria: GeneDx Variant Classification Process June 2021. Collection method: clinical testing. Allele origin: germline. Not counted in ClinVar's aggregate classification.
Comment: Not observed at significant frequency in large population cohorts (gnomAD); In silico analysis supports that this missense variant has a deleterious effect on protein structure/function; This variant is associated with the following publications: (PMID: 32528171, 24742800, 19781108, 26453141, 30564623, 31069529, 39678382, 31268554, 17994539, 30345904, 26404900)

Natera, Inc.
Classification: Likely pathogenic for Limb-girdle muscular dystrophy type 2D. Last evaluated: 2025-10-31. Review status: criteria provided, single submitter. Criteria: Natera Variant Classification Schema (03/2026). Collection method: clinical testing. Allele origin: germline. Not counted in ClinVar's aggregate classification.
Comment: The c.241C>T variant in SGCA is a missense variant predicted to cause substitution of arginine to cysteine at amino acid 81. This variant is rare in the general population with a frequency below the threshold expected for the associated phenotype(s). This variant has been observed in one or more individuals affected with the associated recessive disease, as either homozygous or compound heterozygous with a second variant (PMID: 17994539, 26404900, 30345904). Additionally, this variant has been observed to segregate in affected family members (PMID: 26404900). Computational prediction algorithms indicate this variant is likely to affect gene or protein function. Given the available evidence, this variant is classified as Likely Pathogenic.

3billion
Classification: Likely pathogenic for Autosomal recessive limb-girdle muscular dystrophy type 2D. Last evaluated: 2025-10-27. Review status: criteria provided, single submitter. Criteria: ACMG Guidelines, 2015. Collection method: clinical testing. Allele origin: germline. Affected: yes. Not counted in ClinVar's aggregate classification.
Comment: The variant is observed at an extremely low frequency in the gnomAD v4.1.0 dataset (total allele frequency: <0.001%). Predicted Consequence/Location: Missense variant In silico tool predictions suggest damaging effect of the variant on gene or gene product [REVEL: 0.93 (>=0.6, sensitivity 0.68 and specificity 0.92); 3Cnet: 0.99 (> 0.75, sensitivity 0.96 and precision 0.92)]. The same nucleotide change resulting in the same amino acid change has been previously reported as pathogenic/likely pathogenic with strong evidence (ClinVar ID: VCV000092302 /PMID: 17994539). Different missense changes at the same codon (p.Arg81His, p.Arg81Ser) have been reported to be associated with SGCA-related disorder (ClinVar ID: VCV000597056, VCV001414624 /PMID: 31517061). Therefore, this variant is classified as Likely pathogenic according to the recommendation of ACMG/AMP guideline.

Myriad Genetics, Inc.
Classification: Likely pathogenic for Autosomal recessive limb-girdle muscular dystrophy type 2D. Last evaluated: 2025-09-04. Review status: criteria provided, single submitter. Criteria: Myriad Autosomal Dominant, Autosomal Recessive and X-Linked Classification Criteria (2023). Collection method: clinical testing. Allele origin: unknown. Not counted in ClinVar's aggregate classification.
Comment: NM_000023.2(SGCA):c.241C>T(R81C) is a missense variant classified as likely pathogenic in the context of alpha-sarcoglycanopathy. R81C has been observed in cases with relevant disease (PMID: 31069529, 30345904, 26404900, 39678382, 31268554, 32528171). Relevant functional assessments of this variant are not available in the literature. R81C has been observed in referenced population frequency databases. In summary, NM_000023.2(SGCA):c.241C>T(R81C) is a missense variant that has been observed more frequently in cases with the relevant disease than in healthy populations. Please note: this variant was assessed in the context of healthy population screening.

Revvity Omics, Revvity
Classification: Likely pathogenic for Autosomal recessive limb-girdle muscular dystrophy type 2D. Last evaluated: 2025-07-08. Review status: criteria provided, single submitter. Criteria: ACMG Guidelines, 2015. Collection method: clinical testing. Allele origin: germline. Not counted in ClinVar's aggregate classification.

Labcorp Genetics (formerly Invitae), Labcorp
Classification: Pathogenic for Autosomal recessive limb-girdle muscular dystrophy type 2D. Last evaluated: 2023-07-31. Review status: criteria provided, single submitter. Criteria: Invitae Variant Classification Sherloc (09022015). Collection method: clinical testing. Allele origin: germline. Not counted in ClinVar's aggregate classification.
Comment: This variant is present in population databases (rs398123098, gnomAD 0.003%). This sequence change replaces arginine, which is basic and polar, with cysteine, which is neutral and slightly polar, at codon 81 of the SGCA protein (p.Arg81Cys). This missense change has been observed in individual(s) with limb-girdle muscular dystrophy (PMID: 24742800, 26453141, 30345904). For these reasons, this variant has been classified as Pathogenic. Advanced modeling of protein sequence and biophysical properties (such as structural, functional, and spatial information, amino acid conservation, physicochemical variation, residue mobility, and thermodynamic stability) performed at Invitae indicates that this missense variant is expected to disrupt SGCA protein function. ClinVar contains an entry for this variant (Variation ID: 92302).

Illumina Laboratory Services, Illumina
Classification: Likely pathogenic for Autosomal recessive limb-girdle muscular dystrophy type 2D. Last evaluated: 2023-03-30. Review status: criteria provided, single submitter. Criteria: ICSLVariantClassificationCriteria RUGD 01 April 2020. Collection method: clinical testing. Allele origin: unknown. Not counted in ClinVar's aggregate classification.
Comment: The SGCA c.241C>T (p.Arg81Cys) missense variant results in the substitution of arginine at amino acid position 81 with cysteine. This variant has been reported in at least two individuals with limb-girdle muscular dystrophy in a homozygous state (PMID: 30345904; PMID: 31268554). This variant is reported in the Genome Aggregation Database in one allele at a frequency of 0.000033 in the South Asian population (version 2.1.1). The c.241C>T variant lies in the extracellular sarcoglycan domain, which harbors several clinically significant variants. Multiple lines of computational evidence suggest the variant may have a deleterious effect on the gene or gene product. Based on the available evidence, the c.241C>T (p.Arg81Cys) variant is classified as likely pathogenic for autosomal recessive limb-girdle muscular dystrophy.

Breakthrough Genomics
Classification: Likely pathogenic for Autosomal recessive limb-girdle muscular dystrophy type 2D. Last evaluated: 2021-05-20. Review status: criteria provided, single submitter. Criteria: ACMG Guidelines, 2015. Collection method: clinical testing. Allele origin: germline. Affected: yes. Not counted in ClinVar's aggregate classification.
Comment: This variant has been reported in a patient who has limb-girdle muscular dystrophy condition [PMID: 26453141]. Multiple lines of computational evidence support a deleterious effect on the protein.

Eurofins Ntd Llc (ga)
Classification: Uncertain significance. Last evaluated: 2015-10-06. Review status: criteria provided, single submitter. Criteria: EGL Classification Definitions 2015. Collection method: clinical testing. Allele origin: germline. Observed: 2 variant alleles, 1 heterozygote, 1 homozygote. Not counted in ClinVar's aggregate classification.

PreventionGenetics, part of Exact Sciences
Classification: Likely pathogenic for SGCA-related condition. Last evaluated: 2024-05-26. Review status: no assertion criteria provided. Collection method: clinical testing. Allele origin: germline. Not counted in ClinVar's aggregate classification.
Comment: The SGCA c.241C>T variant is predicted to result in the amino acid substitution p.Arg81Cys. This variant has been reported in the homozygous state or with a second SGCA variant in at least five individuals with features of SGCA-related disorders (Guglieri et al 2008. PubMed ID: 17994539; Saha M et al 2018. PubMed ID: 30345904; Ganapathy A et al 2019. PubMed ID: 31069529; Töpf A et al 2020. PubMed ID: 32528171; Tarnopolsky M et al 2015. PubMed ID: 26453141). One homozygous individual also showed only 18% residual alpha-sarcoglycan protein on western blotting analysis from muscle tissue (Tarnopolsky M et al 2015. PubMed ID: 26453141). This variant is reported in 0.0033% of alleles in individuals of South Asian descent in gnomAD. This variant is interpreted as likely pathogenic.

Literature cited by the submitters: PubMed 17994539 (cited by Natera, Inc. and 3billion); PubMed 26404900 (cited by Natera, Inc. and Myriad Genetics, Inc.); PubMed 30345904 (cited by 4 submitters); PubMed 31517061 (cited by 3billion); PubMed 31069529 (cited by Myriad Genetics, Inc.); PubMed 31268554 (cited by Myriad Genetics, Inc. and Illumina Laboratory Services, Illumina); PubMed 32528171 (cited by Myriad Genetics, Inc.); PubMed 39678382 (cited by Myriad Genetics, Inc.); PubMed 24742800 (cited by Labcorp Genetics (formerly Invitae), Labcorp); PubMed 26453141 (cited by Labcorp Genetics (formerly Invitae), Labcorp).

NM_000023.4(SGCA):c.241C>T (p.Arg81Cys)

Gene: SGCA (sarcoglycan alpha; plus strand). Cytogenetic location: 17q21.33.
Variant type: single nucleotide variant.
Coding change: c.241C>T on transcript NM_000023.4 (MANE Select); coding-DNA position 241, C replaced by T.
Protein change: p.Arg81Cys; replaces arginine 81 with cysteine.
Molecular consequence: missense variant. On other transcripts: non-coding transcript variant (1).
Genome position (GRCh38, 1-based): chr17:50,167,665, C>T. VCF-style: chr17-50167665-C-T. GRCh37 (hg19) VCF-style: chr17-48245026-C-T.
Other names: NM_000023.4(SGCA):c.241C>T; c.241C>T, p.Arg81Cys (NM_001135697.3); c.241C>T (NM_000023.3); short protein forms R81C.
Identifiers: ClinVar variation 92302 (VCV000092302.26), dbSNP rs398123098, ClinGen allele CA220233.
Genomic context (GRCh38, chr17:50,167,665, plus strand): 5'-ACCTACCACGCCCACCTCCAGGGACACCCAGACCTGCCCCGGTGGCTCCGCTACACCCAG[C>T]GCAGCCCCCACCACCCTGGCTTCCTCTACGGCTCTGCCACCCCAGAAGATCGTGGGCTCC-3'
Protein context (NP_000014.1, residues 71-91): DLPRWLRYTQ[Arg81Cys]SPHHPGFLYG